The following is an entry in ClinVar:

NC_012920.1(MT-TS2):m.12213G>A

Gene: MT-TS2 (mitochondrially encoded tRNA serine 2 (AGU/C); plus strand).
Variant type: single nucleotide variant.
Genome position: chrM-12213-G-A.
Identifiers: ClinVar variation 690158 (VCV000690158.1), dbSNP rs1603223616, ClinGen allele CA913169731.

ClinVar aggregate classification (germline): Uncertain significance (1 of 4 stars; one submission).

Conditions:
MELAS syndrome (MELAS). Also called: Juvenile myopathy, encephalopathy, lactic acidosis, stroke. Identifiers: Orphanet 550, MedGen C0162671, MONDO:0010789, OMIM 540000.

Submission:

Wong Mito Lab, Molecular and Human Genetics, Baylor College of Medicine
Classification: Uncertain significance for MELAS syndrome. Last evaluated: 2019-07-12. Review status: criteria provided, single submitter. Criteria: Modified ACMG Guidelines (Unpublished). Collection method: clinical testing. Allele origin: germline.
Comment: The NC_012920.1:m.12213G>A variant in MT-TS2 gene is interpreted to be a Unknown Significance variant based on the modified ACMG guidelines (unpublished). This variant meets the following evidence codes reported in the guidelines: PP3, PP7

Literature cited by the submitters: PubMed 31965079.